The following is an entry in ClinVar:

ClinVar aggregate classification (germline): Pathogenic. Review status: criteria provided, multiple submitters, no conflicts (2 of 4 stars). 3 submissions from 3 submitters: Pathogenic (3). Last evaluated 2025-08-26.

Conditions:
Megalencephalic leukoencephalopathy with subcortical cysts 1 (MLC1). Also called: LEUKOENCEPHALOPATHY WITH SWELLING AND CYSTS; VACUOLATING MEGALENCEPHALIC LEUKOENCEPHALOPATHY WITH SUBCORTICAL CYSTS. Identifiers: Orphanet 2478, MedGen C5779875, MONDO:0024555, OMIM 604004.
Megalencephalic leukoencephalopathy with subcortical cysts. Also called: VAN DER KNAAP DISEASE. Identifiers: Orphanet 2478, MedGen C1858854, MONDO:0011391.

Submissions (3):

Natera, Inc.
Classification: Pathogenic for Megalencephalic leukoencephalopathy with subcortical cysts. Last evaluated: 2025-08-26. Review status: criteria provided, single submitter. Criteria: Natera Variant Classification Schema (03/2026). Collection method: clinical testing. Allele origin: germline.
Comment: The c.135del variant in MLC1 is a frameshift variant predicted to shift the reading frame beginning at codon 46 and leads to a stop codon 12 codons downstream. This variant is expected to result in nonsense mediated decay, truncation, or a dysfunctional protein product. This variant is rare in the general population with a frequency below the threshold expected for the associated phenotype(s). This variant has been observed in one or more individuals affected with the associated recessive disease, as either homozygous or compound heterozygous with a second variant (PMID: 25497041). Given the available evidence, this variant is classified as Pathogenic.

Myriad Genetics, Inc.
Classification: Pathogenic for Megalencephalic leukoencephalopathy with subcortical cysts 1. Last evaluated: 2025-07-23. Review status: criteria provided, single submitter. Criteria: Myriad Autosomal Dominant, Autosomal Recessive and X-Linked Classification Criteria (2023). Collection method: clinical testing. Allele origin: unknown.
Comment: NM_015166.3(MLC1):c.135delC(C46Afs*12) is a frameshift variant classified as pathogenic in the context of megalencephalic leukoencephalopathy with subcortical cysts. C46Afs*12 has been observed in cases with relevant disease (PMID: 25497041, 28840990, 28588848). Relevant functional assessments of this variant are not available in the literature. C46Afs*12 has not been observed in referenced population frequency databases. In summary, NM_015166.3(MLC1):c.135delC(C46Afs*12) is a frameshift variant in a gene where loss of function is a known mechanism of disease, is predicted to disrupt protein function, and has been observed more frequently in cases with the relevant disease than in healthy populations. Please note: this variant was assessed in the context of healthy population screening.

Labcorp Genetics (formerly Invitae), Labcorp
Classification: Pathogenic. Last evaluated: 2022-10-03. Review status: criteria provided, single submitter. Criteria: Invitae Variant Classification Sherloc (09022015). Collection method: clinical testing. Allele origin: germline.
Comment: This sequence change creates a premature translational stop signal (p.Cys46Alafs*12) in the MLC1 gene. It is expected to result in an absent or disrupted protein product. Loss-of-function variants in MLC1 are known to be pathogenic (PMID: 11254442, 16470554, 24824219). For these reasons, this variant has been classified as Pathogenic. This premature translational stop signal has been observed in individuals with megalencephalic leukoencephalopathy with subcortical cysts (PMID: 25497041, 28588848, 28840990). This variant is not present in population databases (gnomAD no frequency).

Literature cited by the submitters: PubMed 25497041 (cited by 3 submitters); PubMed 28588848 (cited by Myriad Genetics, Inc. and Labcorp Genetics (formerly Invitae), Labcorp); PubMed 28840990 (cited by Myriad Genetics, Inc. and Labcorp Genetics (formerly Invitae), Labcorp); PubMed 11254442 (cited by Labcorp Genetics (formerly Invitae), Labcorp); PubMed 16470554 (cited by Labcorp Genetics (formerly Invitae), Labcorp); PubMed 24824219 (cited by Labcorp Genetics (formerly Invitae), Labcorp).

NM_015166.4(MLC1):c.135del (p.Cys46fs)

Gene: MLC1 (modulator of VRAC current 1; minus strand). Cytogenetic location: 22q13.33.
Variant type: Deletion.
Coding change: c.135del on transcript NM_015166.4 (MANE Select); coding-DNA position 135, one base deleted (C; older notation c.135delC).
Protein change: p.Cys46fs; shifts the reading frame from cysteine 46.
Molecular consequence: frameshift variant. On other transcripts: non-coding transcript variant (3), intron variant (1).
Genome position (GRCh38, 1-based): chr22:50,084,768, G deleted on the plus strand (C on the coding strand, the reverse complement: MLC1 is on the minus strand); the first of 6 consecutive G bases (chr22:50,084,768-50,084,773); deleting any one gives the same sequence. VCF-style (leftmost placement, unchanged base first): chr22-50084767-AG-A. GRCh37 (hg19) VCF-style: chr22-50523196-AG-A.
Other names: c.135del, p.Cys46fs (NM_001376472.1, NM_001376473.1, NM_001376474.1 and 10 more transcripts); c.-59+587del (NM_001376484.1); c.135del (NM_015166.3); short protein forms C46fs.
Identifiers: ClinVar variation 2138460 (VCV002138460.6), dbSNP rs80358241, ClinGen allele CA515002449.